The following is an entry in ClinVar:

NM_020975.6(RET):c.2392+6G>T

Gene: RET (ret proto-oncogene; plus strand). Cytogenetic location: 10q11.21.
Variant type: single nucleotide variant.
Coding change: c.2392+6G>T on transcript NM_020975.6 (MANE Select); 6 bases into the intron after coding-DNA position 2392, G replaced by T.
Molecular consequence: intron variant.
Genome position (GRCh38, 1-based): chr10:43,118,486, G>T. VCF-style: chr10-43118486-G-T. GRCh37 (hg19) VCF-style: chr10-43613934-G-T.
Other names: c.2392+6G>T (NM_020630.7, NM_001406743.1, NM_001406744.1 and 2 more transcripts); c.2257+6G>T (NM_001406765.1, NM_001406763.1); c.1996+6G>T (NM_001406772.1, NM_001406769.1); c.1954+6G>T (NM_001406773.1, NM_001406771.1); c.1495+6G>T (NM_001406782.1, NM_001406780.1, NM_001406779.1 and 1 more transcripts); c.1360+6G>T (NM_001406787.1); c.1375+6G>T (NM_001406785.1); c.2263+6G>T (NM_001406764.1, NM_001406762.1, NM_001406761.1); and 10 more.
Identifiers: ClinVar variation 477348 (VCV000477348.11), dbSNP rs1554819413, ClinGen allele CA658656068.

ClinVar aggregate classification (germline): Conflicting classifications of pathogenicity. Review status: criteria provided, conflicting classifications (1 of 4 stars). 2 submissions from 2 submitters: Uncertain significance (1); Likely benign (1). Last evaluated 2025-02-26.

Conditions:
Multiple endocrine neoplasia type 2A. Also called: MULTIPLE ENDOCRINE NEOPLASIA, TYPE IIA; PTC SYNDROME; SIPPLE SYNDROME; MEN 2A; MEN-2A syndrome; Pheochromocytoma and amyloid producing medullary thyroid carcinoma. Identifiers: Orphanet 247698, Orphanet 653, MedGen C0025268, MeSH D018813, MONDO:0008234, OMIM 171400.
Multiple endocrine neoplasia, type 2 (MEN2). Identifiers: Orphanet 653, MedGen C4048306, MONDO:0019003. Disease mechanism: gain of function.

Submissions (2):

Myriad Genetics, Inc.
Classification: Likely benign for Multiple endocrine neoplasia type 2A. Last evaluated: 2025-02-26. Review status: criteria provided, single submitter. Criteria: Myriad Autosomal Dominant, Autosomal Recessive and X-Linked Classification Criteria (2023). Collection method: clinical testing. Allele origin: unknown.
Comment: This variant is considered likely benign. This variant is intronic and is not expected to impact mRNA splicing.

Labcorp Genetics (formerly Invitae), Labcorp
Classification: Uncertain significance for Multiple endocrine neoplasia, type 2. Last evaluated: 2021-01-31. Review status: criteria provided, single submitter. Criteria: Invitae Variant Classification Sherloc (09022015). Collection method: clinical testing. Allele origin: germline.
Comment: In summary, the available evidence is currently insufficient to determine the role of this variant in disease. Therefore, it has been classified as a Variant of Uncertain Significance. Nucleotide substitutions within the consensus splice site are a relatively common cause of aberrant splicing (PMID: 17576681, 9536098). Algorithms developed to predict the effect of sequence changes on RNA splicing suggest that this variant is not likely to affect RNA splicing, but this prediction has not been confirmed by published transcriptional studies. This variant has not been reported in the literature in individuals with RET-related disease. ClinVar contains an entry for this variant (Variation ID: 477348). This variant is not present in population databases (ExAC no frequency). This sequence change falls in intron 13 of the RET gene. It does not directly change the encoded amino acid sequence of the RET protein, but it affects a nucleotide within the consensus splice site of the intron.

Literature cited by the submitters: PubMed 17576681 (cited by Labcorp Genetics (formerly Invitae), Labcorp); PubMed 9536098 (cited by Labcorp Genetics (formerly Invitae), Labcorp).